The following is an entry in ClinVar:

NM_000094.4(COL7A1):c.6727T>G (p.Ser2243Ala)

Gene: COL7A1 (collagen type VII alpha 1 chain; minus strand). Cytogenetic location: 3p21.31.
Variant type: single nucleotide variant.
Coding change: c.6727T>G on transcript NM_000094.4 (MANE Select); coding-DNA position 6727, T replaced by G.
Protein change: p.Ser2243Ala; replaces serine 2243 with alanine.
Molecular consequence: missense variant.
Genome position (GRCh38, 1-based): chr3:48,573,044, A>C on the plus strand (T>G on the coding strand, the complement: COL7A1 is on the minus strand). VCF-style: chr3-48573044-A-C. GRCh37 (hg19) VCF-style: chr3-48610477-A-C.
Other names: short protein forms S2243A.
Identifiers: ClinVar variation 2427820 (VCV002427820.6), dbSNP rs920822732, ClinGen allele CA73975971.

ClinVar aggregate classification (germline): Uncertain significance (1 of 4 stars; one submission).

gnomAD v4.1: 1 of 1,613,846 alleles (0.000062%); highest among the groups gnomAD compares: African/African-American, 0.0013%; no homozygotes.

Submission:

Labcorp Genetics (formerly Invitae), Labcorp
Classification: Uncertain significance. Last evaluated: 2022-07-03. Review status: criteria provided, single submitter. Criteria: Invitae Variant Classification Sherloc (09022015). Collection method: clinical testing. Allele origin: germline.
Comment: In summary, the available evidence is currently insufficient to determine the role of this variant in disease. Therefore, it has been classified as a Variant of Uncertain Significance. Advanced modeling of protein sequence and biophysical properties (such as structural, functional, and spatial information, amino acid conservation, physicochemical variation, residue mobility, and thermodynamic stability) performed at Invitae indicates that this missense variant is not expected to disrupt COL7A1 protein function. This sequence change replaces serine, which is neutral and polar, with alanine, which is neutral and non-polar, at codon 2243 of the COL7A1 protein (p.Ser2243Ala). This variant has not been reported in the literature in individuals affected with COL7A1-related conditions. This variant is not present in population databases (gnomAD no frequency).